The following is an entry in ClinVar:

ClinVar aggregate classification (germline): Pathogenic (0 of 4 stars; one submission).

Conditions:
Childhood apraxia of speech (SPCH1). Also called: Speech language disorder; DEVELOPMENTAL VERBAL DYSPRAXIA; SPEECH AND LANGUAGE DISORDER WITH OROFACIAL DYSPRAXIA; FOXP2-Related Speech and Language Disorder. Identifiers: Orphanet 209908, MedGen C0750927, MONDO:0011184, OMIM 602081.

Submission:

GeneReviews
Classification: Pathogenic for Childhood apraxia of speech. Last evaluated: 2016-03-02. Review status: no assertion criteria provided. Collection method: literature only. Allele origin: germline. Affected: yes. Observed: 1 variant allele.
Comment: Speech: CAS Oromotor: Oromotor difficulties Language: Impaired expressive & receptive Cognition: Cognitive impairment

Literature cited by the submitters: PubMed 17033973.

7q31.1-q31.3, 15 Mb deletion

Gene: FOXP2 (forkhead box P2; plus strand). Cytogenetic location: 7q31.1.
Variant type: Deletion.
Identifiers: ClinVar variation 242964 (VCV000242964.1).